The following is an entry in ClinVar:

NM_001849.4(COL6A2):c.2133C>A (p.Tyr711Ter)

Gene: COL6A2 (collagen type VI alpha 2 chain; plus strand). Cytogenetic location: 21q22.3.
Variant type: single nucleotide variant.
Coding change: c.2133C>A on transcript NM_001849.4 (MANE Select); coding-DNA position 2133, C replaced by A.
Protein change: p.Tyr711Ter; replaces tyrosine 711 with a stop codon.
Molecular consequence: nonsense.
Genome position (GRCh38, 1-based): chr21:46,125,948, C>A. VCF-style: chr21-46125948-C-A. GRCh37 (hg19) VCF-style: chr21-47545862-C-A.
Other names: c.2133C>A, p.Tyr711Ter (NM_058174.3, NM_058175.3); short protein forms Y711*.
Identifiers: ClinVar variation 1454472 (VCV001454472.8), dbSNP rs531816975, ClinGen allele CA410541679.

ClinVar aggregate classification (germline): Pathogenic (1 of 4 stars; one submission).

Conditions:
Bethlem myopathy 1A. Also called: MYOPATHY, BENIGN CONGENITAL, WITH CONTRACTURES; Bethlem Muscular Dystrophy; Bethlem myopathy 1. Identifiers: Orphanet 610, MedGen CN029274, MONDO:0024530, OMIM 158810.

Submission:

Labcorp Genetics (formerly Invitae), Labcorp
Classification: Pathogenic for Bethlem myopathy 1A. Last evaluated: 2021-05-31. Review status: criteria provided, single submitter. Criteria: Invitae Variant Classification Sherloc (09022015). Collection method: clinical testing. Allele origin: germline.
Comment: This sequence change creates a premature translational stop signal (p.Tyr711*) in the COL6A2 gene. It is expected to result in an absent or disrupted protein product. Loss-of-function variants in COL6A2 are known to be pathogenic (PMID: 19884007, 20976770). This variant is not present in population databases (ExAC no frequency). This variant has been observed in individual(s) with autosomal recessive COL6A2-related conditions (PMID: 29419890). In at least one individual the data is consistent with the variant being in trans (on the opposite chromosome) from a pathogenic variant. For these reasons, this variant has been classified as Pathogenic.

Literature cited by the submitters: PubMed 19884007; PubMed 20976770; PubMed 29419890.